The following is an entry in ClinVar:

Conditions:
Breast-ovarian cancer, familial, susceptibility to, 1 (BROVCA1). Also called: BRCA1 Hereditary Breast and Ovarian Cancer; OVARIAN CANCER, SUSCEPTIBILITY TO. Identifiers: Orphanet 145, MedGen C2676676, MONDO:0011450, OMIM 604370. Disease mechanism: loss of function.

Submission:

Brotman Baty Institute, University of Washington
No classification provided (evidence only). Condition: Breast-ovarian cancer, familial 1. Review status: no classification provided. Collection method: in vitro. Allele origin: not applicable. Functional consequence: functionally_normal.
ClinVar note: "not provided" was previously submitted as the classification for the variant. However, the classification appeared to be based only on an observation of functional data so it was converted to no classification on 2025-07-30.

NM_007294.4(BRCA1):c.5153-21T>G

Gene: BRCA1 (BRCA1 DNA repair associated; minus strand). Cytogenetic location: 17q21.31.
Variant type: single nucleotide variant.
Coding change: c.5153-21T>G on transcript NM_007294.4 (MANE Select); 21 bases into the intron before coding-DNA position 5153, T replaced by G.
Molecular consequence: intron variant.
Genome position (GRCh38, 1-based): chr17:43,063,394, A>C on the plus strand (T>G on the coding strand, the complement: BRCA1 is on the minus strand). VCF-style: chr17-43063394-A-C. GRCh37 (hg19) VCF-style: chr17-41215411-A-C.
Other names: c.1700-21T>G (NM_001408458.1, NM_001408461.1, NM_001408464.1 and 7 more transcripts); c.4262-21T>G (NM_001407967.1); c.4772-21T>G (NM_001407959.1); c.4886-21T>G (NM_001407931.1, NM_001407932.1, NM_001407928.1 and 4 more transcripts); c.5009-21T>G (NM_001407747.1, NM_001407745.1, NM_001407737.1 and 21 more transcripts); c.4769-21T>G (NM_001407962.1, NM_001407960.1); c.1340-21T>G (NM_001408512.1); c.1463-21T>G (NM_001408510.1); and 72 more.
Identifiers: ClinVar variation 865048 (VCV000865048.3), dbSNP rs2051877492, ClinGen allele CA916080090.